The following is an entry in ClinVar:

ClinVar aggregate classification (germline): Uncertain significance. Review status: criteria provided, multiple submitters, no conflicts (2 of 4 stars). 2 submissions from 2 submitters: Uncertain significance (2). Last evaluated 2026-09-25.

Conditions:
Lower motor neuron syndrome with late-adult onset (SMAJ). Also called: Spinal muscular atrophy, Jokela type; Late-Onset Spinal Motor Neuronopathy (SMAJ). Identifiers: Orphanet 276435, MedGen C3554398, MONDO:0014025, OMIM 615048.
Frontotemporal dementia and/or amyotrophic lateral sclerosis 2. Also called: FTDALS2. Identifiers: Orphanet 275872, MedGen C4014648, MONDO:0014395, OMIM 615911.
Autosomal dominant mitochondrial myopathy with exercise intolerance (IMMD). Also called: Myopathy, isolated mitochondrial, autosomal dominant. Identifiers: Orphanet 457050, MedGen C4015513, MONDO:0014532, OMIM 616209.

Allele frequency attached by ClinVar (database versions not stated): gnomAD 0.00001.
gnomAD v4.1: 5 of 1,545,728 alleles (0.00032%); highest among the groups gnomAD compares: South Asian, 0.0024%; no homozygotes.

Submissions (2):

GeneDx
Classification: Uncertain significance. Last evaluated: 2026-09-25. Review status: criteria provided, single submitter. Criteria: GeneDx Variant Classification Process June 2021. Collection method: clinical testing. Allele origin: germline.
Comment: Not observed at significant frequency in large population cohorts (gnomAD); In silico analysis supports a deleterious effect on splicing; Has not been previously published as pathogenic or benign to our knowledge

Labcorp Genetics (formerly Invitae), Labcorp
Classification: Uncertain significance for Lower motor neuron syndrome with late-adult onset; Frontotemporal dementia and/or amyotrophic lateral sclerosis 2; Autosomal dominant mitochondrial myopathy with exercise intolerance. Last evaluated: 2023-11-02. Review status: criteria provided, single submitter. Criteria: Invitae Variant Classification Sherloc (09022015). Collection method: clinical testing. Allele origin: germline.
Comment: This sequence change falls in intron 2 of the CHCHD10 gene. It does not directly change the encoded amino acid sequence of the CHCHD10 protein. It affects a nucleotide within the consensus splice site. This variant is not present in population databases (gnomAD no frequency). This variant has not been reported in the literature in individuals affected with CHCHD10-related conditions. ClinVar contains an entry for this variant (Variation ID: 1429139). Variants that disrupt the consensus splice site are a relatively common cause of aberrant splicing (PMID: 17576681, 9536098). Algorithms developed to predict the effect of sequence changes on RNA splicing suggest that this variant may disrupt the consensus splice site. In summary, the available evidence is currently insufficient to determine the role of this variant in disease. Therefore, it has been classified as a Variant of Uncertain Significance.

Literature cited by the submitters: PubMed 17576681 (cited by Labcorp Genetics (formerly Invitae), Labcorp); PubMed 9536098 (cited by Labcorp Genetics (formerly Invitae), Labcorp).

NM_213720.3(CHCHD10):c.262-3C>G

Gene: CHCHD10 (coiled-coil-helix-coiled-coil-helix domain containing 10; minus strand). Cytogenetic location: 22q11.23.
Variant type: single nucleotide variant.
Coding change: c.262-3C>G on transcript NM_213720.3 (MANE Select); 3 bases into the intron before coding-DNA position 262, C replaced by G.
Molecular consequence: intron variant. On other transcripts: missense variant (1).
Genome position (GRCh38, 1-based): chr22:23,766,278, G>C on the plus strand (C>G on the coding strand, the complement: CHCHD10 is on the minus strand). VCF-style: chr22-23766278-G-C. GRCh37 (hg19) VCF-style: chr22-24108465-G-C.
Other names: c.280C>G, p.Gln94Glu (NM_001301339.2); short protein forms Q94E.
Identifiers: ClinVar variation 1429139 (VCV001429139.8), dbSNP rs867521564, ClinGen allele CA410915340.